The following is an entry in ClinVar:

NM_001005373.4(LRSAM1):c.148G>C (p.Ala50Pro)

Gene: LRSAM1 (leucine rich repeat and sterile alpha motif containing 1; plus strand). Cytogenetic location: 9q33.3.
Variant type: single nucleotide variant.
Coding change: c.148G>C on transcript NM_001005373.4 (MANE Select); coding-DNA position 148, G replaced by C.
Protein change: p.Ala50Pro; replaces alanine 50 with proline.
Molecular consequence: missense variant. On other transcripts: 5 prime UTR variant (1), non-coding transcript variant (2).
Genome position (GRCh38, 1-based): chr9:127,455,594, G>C. VCF-style: chr9-127455594-G-C. GRCh37 (hg19) VCF-style: chr9-130217873-G-C.
Other names: c.148G>C, p.Ala50Pro (NM_001005374.4, NM_001190723.3, NM_001384142.1 and 2 more transcripts); c.-637G>C (NM_001384144.1); short protein forms A50P.
Identifiers: ClinVar variation 2766681 (VCV002766681.3), dbSNP rs1233349797, ClinGen allele CA374962833.
Genomic context (GRCh38, chr9:127,455,594, plus strand): 5'-TGGCAGGAGGGGAGACACTTACTCTTCTTTATCTTATCTTAGATTCCATTTGGAGCTTTT[G>C]CAACATGCAAAGTTCTGCAGAAGAAGGTAAGATGGAGCTTCATCTTCAGAGACTTTCTTG-3'
Protein context (NP_001005373.1, residues 40-60): ELSEIPFGAF[Ala50Pro]TCKVLQKKVL

ClinVar aggregate classification (germline): Uncertain significance (1 of 4 stars; one submission).

Conditions:
Charcot-Marie-Tooth disease axonal type 2P. Also called: CHARCOT-MARIE-TOOTH NEUROPATHY, TYPE 2P; Charcot-Marie-Tooth Neuropathy Type 2G; CHARCOT-MARIE-TOOTH DISEASE, AXONAL, TYPE 2G; CMT 2G. Identifiers: Orphanet 300319, Orphanet 99941, MedGen C3280797, MONDO:0013753, OMIM 614436.

Submission:

Labcorp Genetics (formerly Invitae), Labcorp
Classification: Uncertain significance for Charcot-Marie-Tooth disease axonal type 2P. Last evaluated: 2023-10-07. Review status: criteria provided, single submitter. Criteria: Invitae Variant Classification Sherloc (09022015). Collection method: clinical testing. Allele origin: germline.
Comment: This sequence change replaces alanine, which is neutral and non-polar, with proline, which is neutral and non-polar, at codon 50 of the LRSAM1 protein (p.Ala50Pro). This variant is not present in population databases (gnomAD no frequency). This variant has not been reported in the literature in individuals affected with LRSAM1-related conditions. Advanced modeling of protein sequence and biophysical properties (such as structural, functional, and spatial information, amino acid conservation, physicochemical variation, residue mobility, and thermodynamic stability) performed at Invitae indicates that this missense variant is not expected to disrupt LRSAM1 protein function. In summary, the available evidence is currently insufficient to determine the role of this variant in disease. Therefore, it has been classified as a Variant of Uncertain Significance.